The following is an entry in ClinVar:

NM_013352.4(DSE):c.1751C>T (p.Ala584Val)

Gene: DSE (dermatan sulfate epimerase; plus strand). Cytogenetic location: 6q22.1.
Variant type: single nucleotide variant.
Coding change: c.1751C>T on transcript NM_013352.4 (MANE Select); coding-DNA position 1751, C replaced by T.
Protein change: p.Ala584Val; replaces alanine 584 with valine.
Molecular consequence: missense variant. On other transcripts: 3 prime UTR variant (2), non-coding transcript variant (1).
Genome position (GRCh38, 1-based): chr6:116,436,219, C>T. VCF-style: chr6-116436219-C-T. GRCh37 (hg19) VCF-style: chr6-116757382-C-T.
Other names: c.1751C>T, p.Ala584Val (NM_001080976.3, NM_001322937.2, NM_001322938.2); c.1808C>T, p.Ala603Val (NM_001322939.2); c.1190C>T, p.Ala397Val (NM_001322940.2, NM_001322941.2); c.*616C>T (NM_001322943.2, NM_001322944.2); c.752C>T, p.Ala251Val (NM_001374520.1); c.716C>T, p.Ala239Val (NM_001374521.1); short protein forms A239V, A251V, A397V, A584V, A603V.
Identifiers: ClinVar variation 2057810 (VCV002057810.6), dbSNP rs369887455, ClinGen allele CA3969705.

ClinVar aggregate classification (germline): Uncertain significance. Review status: criteria provided, multiple submitters, no conflicts (2 of 4 stars). 3 submissions from 3 submitters: Uncertain significance (3). Last evaluated 2026-01-14.

Conditions:
Inborn genetic diseases. Identifiers: MedGen C0950123, MeSH D030342.
Ehlers-Danlos syndrome, musculocontractural type 2 (EDSMC2). Identifiers: Orphanet 2953, MedGen C3809845, MONDO:0014236, OMIM 615539.

Allele frequency attached by ClinVar (database versions not stated): gnomAD exomes 0.00003; gnomAD 0.00009; 1000 Genomes Project 30x 0.00016; 1000 Genomes Project 0.00020; ExAC 0.00004; TOPMed 0.00006; ESP Exome Variant Server 0.00008.
gnomAD v4.1: 60 of 1,614,024 alleles (0.0037%); highest among the groups gnomAD compares: African/African-American, 0.0093%; no homozygotes.

Submissions (3):

Women's Health and Genetics/Laboratory Corporation of America, LabCorp
Classification: Uncertain significance. Last evaluated: 2026-01-14. Review status: criteria provided, single submitter. Criteria: LabCorp Variant Classification Summary - May 2015. Collection method: clinical testing. Allele origin: germline.
Comment: Variant summary: DSE c.1751C>T (p.Ala584Val) results in a non-conservative amino acid change in the encoded protein sequence. Algorithms developed to predict the effect of missense changes on protein structure and function are either unavailable or do not agree on the potential impact of this missense change. The variant allele was found at a frequency of 4.8e-05 in 251224 control chromosomes. This frequency is not significantly higher than estimated for disease-causing variants in DSE, allowing no conclusion about variant significance. To our knowledge, no occurrence of c.1751C>T in individuals affected with DSE-related conditions and no experimental evidence demonstrating its impact on protein function have been reported. ClinVar contains an entry for this variant (Variation ID: 2057810). Based on the evidence outlined above, the variant was classified as uncertain significance.

Labcorp Genetics (formerly Invitae), Labcorp
Classification: Uncertain significance for Ehlers-Danlos syndrome, musculocontractural type 2. Last evaluated: 2025-10-18. Review status: criteria provided, single submitter. Criteria: Invitae Variant Classification Sherloc (09022015). Collection method: clinical testing. Allele origin: germline.
Comment: This sequence change replaces alanine, which is neutral and non-polar, with valine, which is neutral and non-polar, at codon 584 of the DSE protein (p.Ala584Val). This variant is present in population databases (rs369887455, gnomAD 0.01%). This variant has not been reported in the literature in individuals affected with DSE-related conditions. ClinVar contains an entry for this variant (Variation ID: 2057810). Invitae Evidence Modeling of protein sequence and biophysical properties (such as structural, functional, and spatial information, amino acid conservation, physicochemical variation, residue mobility, and thermodynamic stability) indicates that this missense variant is not expected to disrupt DSE protein function with a negative predictive value of 80%. In summary, the available evidence is currently insufficient to determine the role of this variant in disease. Therefore, it has been classified as a Variant of Uncertain Significance.

Ambry Genetics
Classification: Uncertain significance for Inborn genetic diseases. Last evaluated: 2021-08-09. Review status: criteria provided, single submitter. Criteria: Ambry Variant Classification Scheme 2023. Collection method: clinical testing. Allele origin: germline.